The following is an entry in ClinVar:

ClinVar aggregate classification (germline): Uncertain significance (1 of 4 stars; one submission).

Conditions:
Surfactant metabolism dysfunction, pulmonary, 4 (SMDP4). Also called: PAP DUE TO CSF2RA DEFICIENCY; PULMONARY ALVEOLAR PROTEINOSIS, CONGENITAL, 4; CSF2RA DEFICIENCY. Identifiers: Orphanet 264675, MedGen C2677877, MONDO:0010424, OMIM 300770.

Allele frequency attached by ClinVar (database versions not stated): gnomAD 0.00002; ExAC 0.00003; gnomAD exomes 0.00003; TOPMed 0.00005.
gnomAD v4.1: 42 of 1,613,784 alleles (0.0026%); highest among the groups gnomAD compares: East Asian, 0.049%; no homozygotes.

Submission:

Labcorp Genetics (formerly Invitae), Labcorp
Classification: Uncertain significance for Surfactant metabolism dysfunction, pulmonary, 4. Last evaluated: 2021-08-31. Review status: criteria provided, single submitter. Criteria: Invitae Variant Classification Sherloc (09022015). Collection method: clinical testing. Allele origin: germline.
Comment: This sequence change replaces arginine with cysteine at codon 84 of the CSF2RA protein (p.Arg84Cys). The arginine residue is weakly conserved and there is a large physicochemical difference between arginine and cysteine. This variant is present in population databases (no rsID available, ExAC 0.02%). This variant has not been reported in the literature in individuals affected with CSF2RA-related conditions. Algorithms developed to predict the effect of missense changes on protein structure and function are either unavailable or do not agree on the potential impact of this missense change (SIFT: "Tolerated"; PolyPhen-2: "Not Available"; Align-GVGD: "Class C0"). In summary, the available evidence is currently insufficient to determine the role of this variant in disease. Therefore, it has been classified as a Variant of Uncertain Significance.

NM_172245.4(CSF2RA):c.250C>T (p.Arg84Cys)

Gene: CSF2RA (colony stimulating factor 2 receptor subunit alpha; plus strand). Cytogenetic location: Xp22.33.
Variant type: single nucleotide variant.
Coding change: c.250C>T on transcript NM_172245.4 (MANE Select); coding-DNA position 250, C replaced by T.
Protein change: p.Arg84Cys; replaces arginine 84 with cysteine.
Molecular consequence: missense variant. On other transcripts: 5 prime UTR variant (1), non-coding transcript variant (1).
Genome position (GRCh38, 1-based): chrX:1,288,549, C>T. VCF-style: chrX-1288549-C-T. GRCh37 (hg19) VCF-style: chrX-1407442-C-T.
Other names: c.250C>T, p.Arg84Cys (NM_001161529.2, NM_001161530.2, NM_001161531.2 and 20 more transcripts); c.-150C>T (NM_001161532.2); short protein forms R84C.
Identifiers: ClinVar variation 1463907 (VCV001463907.5), dbSNP rs758063598, ClinGen allele CA10330739.